The following is an entry in ClinVar:

ClinVar aggregate classification (germline): Uncertain significance (1 of 4 stars; one submission).

Conditions:
Generalized epilepsy-paroxysmal dyskinesia syndrome (PNKD3). Also called: Generalized epilepsy and paroxysmal dyskinesia; Paroxysmal nonkinesigenic dyskinesia, 3, with or without generalized epilepsy. Identifiers: Orphanet 79137, MedGen C5574945, MONDO:0012276, OMIM 609446.

Allele frequency attached by ClinVar (database versions not stated): gnomAD exomes below 0.00001 and 0.00001; gnomAD 0.00001 and 0.00002; ExAC 0.00001; ESP Exome Variant Server 0.00008; TOPMed 0.00001.
gnomAD v4.1: 10 of 1,614,122 alleles (0.00062%); highest among the groups gnomAD compares: Admixed American, 0.0017%; no homozygotes.

Submission:

Labcorp Genetics (formerly Invitae), Labcorp
Classification: Uncertain significance for Generalized epilepsy-paroxysmal dyskinesia syndrome. Last evaluated: 2022-07-30. Review status: criteria provided, single submitter. Criteria: Invitae Variant Classification Sherloc (09022015). Collection method: clinical testing. Allele origin: germline.
Comment: ClinVar contains an entry for this variant (Variation ID: 660200). Algorithms developed to predict the effect of missense changes on protein structure and function (SIFT, PolyPhen-2, Align-GVGD) all suggest that this variant is likely to be tolerated. In summary, the available evidence is currently insufficient to determine the role of this variant in disease. Therefore, it has been classified as a Variant of Uncertain Significance. This variant is present in population databases (rs143385319, gnomAD 0.002%). This sequence change replaces glutamic acid, which is acidic and polar, with aspartic acid, which is acidic and polar, at codon 544 of the KCNMA1 protein (p.Glu544Asp). This variant has not been reported in the literature in individuals affected with KCNMA1-related conditions.

NM_001161352.2(KCNMA1):c.1632A>C (p.Glu544Asp)

Gene: KCNMA1 (potassium calcium-activated channel subfamily M alpha 1; minus strand). Cytogenetic location: 10q22.3.
Variant type: single nucleotide variant.
Coding change: c.1632A>C on transcript NM_001161352.2 (MANE Select); coding-DNA position 1632, A replaced by C.
Protein change: p.Glu544Asp; replaces glutamic acid 544 with aspartic acid.
Molecular consequence: missense variant.
Genome position (GRCh38, 1-based): chr10:77,073,214, T>G on the plus strand (A>C on the coding strand, the complement: KCNMA1 is on the minus strand). VCF-style: chr10-77073214-T-G. GRCh37 (hg19) VCF-style: chr10-78832972-T-G.
Other names: c.1632A>C, p.Glu544Asp (NM_001014797.3, NM_001161353.2, NM_001271519.2 and 7 more transcripts); c.1470A>C, p.Glu490Asp (NM_001271518.2); c.1092A>C, p.Glu364Asp (NM_001322838.2); short protein forms E364D, E490D, E544D.
Identifiers: ClinVar variation 660200 (VCV000660200.9), dbSNP rs143385319, ClinGen allele CA5568378.
Genomic context (GRCh38, chr10:77,073,214, plus strand): 5'-CAGGCAGCTCTGGGCTATGAAGCCCAACTTCAACTCTGCGAGGCAGATTGCGTCATCACC[T>G]TCTTTCCAATTCCAGCTCGGGATGTTTAGCAGATGGGCCTGGGGAAAGAAAAGCAGGTAT-3'
Protein context (NP_001154824.1, residues 534-554): LLNIPSWNWK[Glu544Asp]GDDAICLAEL